The following is an entry in ClinVar:

NM_152419.3(HGSNAT):c.1775A>G (p.Tyr592Cys)

Gene: HGSNAT (heparan-alpha-glucosaminide N-acetyltransferase; plus strand). Cytogenetic location: 8p11.21.
Variant type: single nucleotide variant.
Coding change: c.1775A>G on transcript NM_152419.3 (MANE Select); coding-DNA position 1775, A replaced by G.
Protein change: p.Tyr592Cys; replaces tyrosine 592 with cysteine.
Molecular consequence: missense variant.
Genome position (GRCh38, 1-based): chr8:43,199,436, A>G. VCF-style: chr8-43199436-A-G. GRCh37 (hg19) VCF-style: chr8-43054579-A-G.
Other names: c.1862A>G, p.Tyr621Cys (NM_001363227.2); c.1583A>G, p.Tyr528Cys (NM_001363228.2); c.911A>G, p.Tyr304Cys (NM_001363229.2); short protein forms Y304C, Y592C, Y621C, Y528C.
Identifiers: ClinVar variation 2058336 (VCV002058336.2), dbSNP rs1051645354, ClinGen allele CA176076938.
Genomic context (GRCh38, chr8:43,199,436, plus strand): 5'-TCTCTCCTTAAGGAATGAATTCCATTCTGGTATATGTCGGCCACGAGGTGTTTGAGAACT[A>G]CTTCCCCTTTCAGTGGAAGCTGAAGGACAACCAGTCCCACAAGGAGCACCTGACTCAGAA-3'
Protein context (NP_689632.2, residues 582-602): VYVGHEVFEN[Tyr592Cys]FPFQWKLKDN

ClinVar aggregate classification (germline): Uncertain significance. Review status: criteria provided, multiple submitters, no conflicts (2 of 4 stars). 2 submissions from 2 submitters: Uncertain significance (2). Last evaluated 2022-03-02.

Conditions:
Mucopolysaccharidosis, MPS-III-C (MPS3C). Also called: SANFILIPPO SYNDROME C; MPS III C; mucopolysaccharidosis type 3C; MUCOPOLYSACCHARIDOSIS, TYPE IIIC; MPS IIIC (Sanfilippo Syndrome Type C); Mucopolysaccharidosis type IIIC (Sanfilippo C). Identifiers: Orphanet 581, Orphanet 79271, MedGen C0086649, MONDO:0009657, OMIM 252930.
Retinitis pigmentosa 73 (RP73). Identifiers: Orphanet 791, MedGen C4225287, MONDO:0014687, OMIM 616544.

Allele frequency attached by ClinVar (database versions not stated): gnomAD 0.00001; TOPMed 0.00001.
gnomAD v4.1: 6 of 1,610,082 alleles (0.00037%); highest among the groups gnomAD compares: Non-Finnish European, 0.00042%; no homozygotes.

Submissions (2):

Labcorp Genetics (formerly Invitae), Labcorp
Classification: Uncertain significance for Retinitis pigmentosa 73; Mucopolysaccharidosis, MPS-III-C. Last evaluated: 2022-03-02. Review status: criteria provided, single submitter. Criteria: Invitae Variant Classification Sherloc (09022015). Collection method: clinical testing. Allele origin: germline.
Comment: This sequence change replaces tyrosine, which is neutral and polar, with cysteine, which is neutral and slightly polar, at codon 592 of the HGSNAT protein (p.Tyr592Cys). This variant is present in population databases (no rsID available, gnomAD 0.01%). This variant has not been reported in the literature in individuals affected with HGSNAT-related conditions. Advanced modeling of protein sequence and biophysical properties (such as structural, functional, and spatial information, amino acid conservation, physicochemical variation, residue mobility, and thermodynamic stability) performed at Invitae indicates that this missense variant is expected to disrupt HGSNAT protein function. In summary, the available evidence is currently insufficient to determine the role of this variant in disease. Therefore, it has been classified as a Variant of Uncertain Significance.

Department of Pathology and Laboratory Medicine, Sinai Health System
Classification: Uncertain significance for Mucopolysaccharidosis, MPS-III-C; Retinitis pigmentosa 73. Last evaluated: 2021-07-30. Review status: criteria provided, single submitter. Criteria: ACMG Guidelines, 2015. Collection method: research. Allele origin: germline.